The following is an entry in ClinVar:

ClinVar aggregate classification (germline): Uncertain significance. Review status: criteria provided, multiple submitters, no conflicts (2 of 4 stars). 2 submissions from 2 submitters: Uncertain significance (2). Last evaluated 2025-12-04.

Conditions:
POLD1-related polyposis and colorectal cancer syndrome (CRCS10). Also called: COLORECTAL CANCER, SUSCEPTIBILITY TO, ON CHROMOSOME 19q; Colorectal cancer, susceptibility to, 10; Colorectal cancer 10. Identifiers: Orphanet 220460, MedGen C2675481, MONDO:0012953, OMIM 612591.

Submissions (2):

Dasa
Classification: Uncertain significance for POLD1-related polyposis and colorectal cancer syndrome. Last evaluated: 2025-12-04. Review status: criteria provided, single submitter. Criteria: DASA Assertion Criteria. Collection method: clinical testing. Allele origin: germline.
Comment: NM_002691.4(POLD1):c.3119_3120+1del affects a canonical splice site and is predicted to disrupt normal RNA splicing. This variant is rare in population databases. The currently available literature and clinical evidence are not sufficient to establish a definitive association between this variant and the reported condition. Therefore, this variant is classified as a variant of uncertain significance.

Labcorp Genetics (formerly Invitae), Labcorp
Classification: Uncertain significance for POLD1-related polyposis and colorectal cancer syndrome. Last evaluated: 2021-09-14. Review status: criteria provided, single submitter. Criteria: Invitae Variant Classification Sherloc (09022015). Collection method: clinical testing. Allele origin: germline.
Comment: This variant results in the deletion of part of exon 25 of the POLD1 gene. RNA analysis indicates that this variant induces altered splicing and likely results in the loss of 1 amino acid residue(s), but is expected to preserve the integrity of the reading-frame. This variant is not present in population databases (ExAC no frequency). This variant has not been reported in the literature in individuals affected with POLD1-related conditions. This variant is also known as c.3119_3120+1del. Studies have shown that this variant results in the activation of a cryptic splice site in exon 25 (Invitae). In summary, the available evidence is currently insufficient to determine the role of this variant in disease. Therefore, it has been classified as a Variant of Uncertain Significance.

NM_002691.4(POLD1):c.3119_3120+1del

Gene: POLD1 (DNA polymerase delta 1, catalytic subunit; plus strand). Cytogenetic location: 19q13.33.
Variant type: Microsatellite.
Coding change: c.3119_3120+1del on transcript NM_002691.4 (MANE Select); coding-DNA position 3119 through the canonical splice donor site of the intron after coding-DNA position 3120, 3 bases deleted (AGG; older notation c.3119_3120+1delAGG).
Molecular consequence: splice donor variant.
Genome position (GRCh38, 1-based): chr19:50,417,096-50,417,098, AGG deleted; deleting any 3 consecutive bases within chr19:50,417,093-50,417,098 gives the same sequence; the c. name uses the placement nearest the transcript's 3' end. VCF-style (leftmost placement, unchanged base first): chr19-50417092-AAGG-A. GRCh37 (hg19) VCF-style: chr19-50920349-AAGG-A.
Other names: c.3119_3120+1del (NM_001256849.1); c.3197_3198+1del (NM_001308632.1).
Identifiers: ClinVar variation 1479745 (VCV001479745.8), dbSNP rs2122504290, ClinGen allele CA2580614949.